The following is an entry in ClinVar:

ClinVar aggregate classification (germline): Pathogenic/Likely pathogenic. Review status: criteria provided, multiple submitters, no conflicts (2 of 4 stars). 3 submissions from 3 submitters: Pathogenic (1); Likely pathogenic (1). 1 of the submissions does not count toward it. Last evaluated 2024-02-06.

Conditions:
von Willebrand disorder (VWD). Also called: von Willebrand's disease; Von Willebrand disease (hereditary or acquired); von Willebrand Diseases. Identifiers: MedGen C0042974, MeSH D014842, MONDO:0024574.
von Willebrand disease type 3 (VWD3). Also called: Type 3 Von Willebrand's disease; Type 3 VWD; Von Willebrand disease, severe form; V WD3; VON WILLEBRAND DISEASE, TYPE III. Identifiers: Orphanet 166096, MedGen C1264041, MONDO:0010191, OMIM 277480.

Submissions (3):

Women's Health and Genetics/Laboratory Corporation of America, LabCorp
Classification: Pathogenic for von Willebrand disorder. Last evaluated: 2024-02-06. Review status: criteria provided, single submitter. Criteria: LabCorp Variant Classification Summary - May 2015. Collection method: clinical testing. Allele origin: germline.
Comment: Variant summary: VWF c.7664_7665insAG (p.Cys2557SerfsX8) results in a premature termination codon, predicted to cause a truncation of the encoded protein or absence of the protein due to nonsense mediated decay, which are commonly known mechanisms for disease. The variant was absent in 251292 control chromosomes. c.7664_7665insAG has been reported in the literature in at least one homozygous individual affected with a coagulation disorder (e.g. Downes_2019). To our knowledge, no experimental evidence demonstrating an impact on protein function has been reported. The following publication has been ascertained in the context of this evaluation (PMID: 31064749). ClinVar contains an entry for this variant (Variation ID: 100481). Based on the evidence outlined above, the variant was classified as pathogenic.

NIHR Bioresource Rare Diseases, University of Cambridge
Classification: Likely pathogenic for von Willebrand disease type 3. Last evaluated: 2019-02-01. Review status: criteria provided, single submitter. Criteria: ACMG Guidelines, 2015. Collection method: research. Allele origin: unknown. Affected: yes. Observed: 1 homozygote. Study: ThromboGenomics.

Academic Unit of Haematology, University of Sheffield
No classification provided. Review status: no classification provided. Collection method: not provided. Allele origin: not provided. Not counted in ClinVar's aggregate classification.

Literature cited by the submitters: PubMed 31064749 (cited by Women's Health and Genetics/Laboratory Corporation of America, LabCorp and NIHR Bioresource Rare Diseases, University of Cambridge).

NM_000552.5(VWF):c.7664_7665insAG (p.Cys2557fs)

Gene: VWF (von Willebrand factor; minus strand). Cytogenetic location: 12p13.31.
Variant type: Insertion.
Coding change: c.7664_7665insAG on transcript NM_000552.5 (MANE Select); coding-DNA positions 7664 to 7665, AG inserted.
Protein change: p.Cys2557fs; shifts the reading frame from cysteine 2557.
Molecular consequence: frameshift variant.
Genome position: GRCh38 VCF-style: chr12-5969275-A-ACT. GRCh37 (hg19) VCF-style: chr12-6078441-A-ACT.
Other names: short protein forms C2557fs.
Identifiers: ClinVar variation 100481 (VCV000100481.8), dbSNP rs267607364, ClinGen allele CA228812.
Genomic context (GRCh38, chr12:5,969,275, plus strand): 5'-GCGACAGCTTGGGCAGCACGCTGAGGTCTTACAGCTCAGCTGAAAGCCCGAGGGGCAGAC[A>ACT]GGGACCTCCAGCTGGGGGCAGGAGACGTTCCTTTGTTGTATAAAGACCTCCTCCTTCACT-3'